The following is an entry in ClinVar:

ClinVar aggregate classification (germline): Pathogenic. Review status: criteria provided, multiple submitters, no conflicts (2 of 4 stars). 3 submissions from 3 submitters: Pathogenic (3). Last evaluated 2021-07-16.

Conditions:
Hereditary spastic paraplegia. Also called: Familial spastic paraparesis. Identifiers: Orphanet 685, MedGen C0037773, MONDO:0019064. Disease mechanism: loss of function.
Spastic paraplegia. Identifiers: MedGen C0037772, HP:0001258.

Submissions (3):

Genome Diagnostics Laboratory, The Hospital for Sick Children
Classification: Pathogenic for Hereditary spastic paraplegia. Last evaluated: 2021-07-16. Review status: criteria provided, single submitter. Criteria: ACMG Guidelines, 2015. Collection method: clinical testing. Allele origin: germline. Affected: yes.

Labcorp Genetics (formerly Invitae), Labcorp
Classification: Pathogenic for Spastic paraplegia. Last evaluated: 2021-03-08. Review status: criteria provided, single submitter. Criteria: Invitae Variant Classification Sherloc (09022015). Collection method: clinical testing. Allele origin: germline.
Comment: This sequence change creates a premature translational stop signal (p.Trp1485Cysfs*23) in the ZFYVE26 gene. It is expected to result in an absent or disrupted protein product. Loss-of-function variants in ZFYVE26 are known to be pathogenic (PMID: 18394578, 19805727). For these reasons, this variant has been classified as Pathogenic. This variant has not been reported in the literature in individuals with ZFYVE26-related conditions. ClinVar contains an entry for this variant (Variation ID: 595101). This variant is not present in population databases (ExAC no frequency).

Eurofins Ntd Llc (ga)
Classification: Pathogenic. Last evaluated: 2017-12-07. Review status: criteria provided, single submitter. Criteria: EGL Classification Definitions 2015. Collection method: clinical testing. Allele origin: germline. Observed: 1 variant allele, 1 heterozygote.

Literature cited by the submitters: PubMed 18394578 (cited by Labcorp Genetics (formerly Invitae), Labcorp); PubMed 19805727 (cited by Labcorp Genetics (formerly Invitae), Labcorp).

NM_015346.4(ZFYVE26):c.4455del (p.Trp1485fs)

Gene: ZFYVE26 (zinc finger FYVE-type containing 26; minus strand). Cytogenetic location: 14q24.1.
Variant type: Deletion.
Coding change: c.4455del on transcript NM_015346.4 (MANE Select); coding-DNA position 4455, one base deleted (G; older notation c.4455delG).
Protein change: p.Trp1485fs; shifts the reading frame from tryptophan 1485.
Molecular consequence: frameshift variant.
Genome position (GRCh38, 1-based): chr14:67,781,447, C deleted on the plus strand (G on the coding strand, the reverse complement: ZFYVE26 is on the minus strand); the first of 2 consecutive C bases (chr14:67,781,447-67,781,448); deleting either gives the same sequence. VCF-style (leftmost placement, unchanged base first): chr14-67781446-GC-G. GRCh37 (hg19) VCF-style: chr14-68248163-GC-G.
Other names: short protein forms W1485fs.
Identifiers: ClinVar variation 595101 (VCV000595101.13), dbSNP rs1566881181, ClinGen allele CA913190420.